The following is an entry in ClinVar:

ClinVar aggregate classification (germline): Uncertain significance (1 of 4 stars; one submission).

Submission:

Labcorp Genetics (formerly Invitae), Labcorp
Classification: Uncertain significance. Last evaluated: 2025-11-12. Review status: criteria provided, single submitter. Criteria: Invitae Variant Classification Sherloc (09022015). Collection method: clinical testing. Allele origin: germline.
Comment: This sequence change replaces serine, which is neutral and polar, with proline, which is neutral and non-polar, at codon 117 of the COL11A1 protein (p.Ser117Pro). This variant is not present in population databases (gnomAD no frequency). This variant has not been reported in the literature in individuals affected with COL11A1-related conditions. An algorithm developed to predict the effect of missense changes on protein structure and function (PolyPhen-2) suggests that this variant is likely to be disruptive. In summary, the available evidence is currently insufficient to determine the role of this variant in disease. Therefore, it has been classified as a Variant of Uncertain Significance.

NM_001854.4(COL11A1):c.349T>C (p.Ser117Pro)

Gene: COL11A1 (collagen type XI alpha 1 chain; minus strand). Cytogenetic location: 1p21.1.
Variant type: single nucleotide variant.
Coding change: c.349T>C on transcript NM_001854.4 (MANE Select); coding-DNA position 349, T replaced by C.
Protein change: p.Ser117Pro; replaces serine 117 with proline.
Molecular consequence: missense variant. On other transcripts: non-coding transcript variant (1).
Genome position (GRCh38, 1-based): chr1:103,078,797, A>G on the plus strand (T>C on the coding strand, the complement: COL11A1 is on the minus strand). VCF-style: chr1-103078797-A-G. GRCh37 (hg19) VCF-style: chr1-103544353-A-G.
Other names: c.349T>C, p.Ser117Pro (NM_001190709.2, NM_080629.3, NM_080630.4); short protein forms S117P.
Identifiers: ClinVar variation 4731114 (VCV004731114.1).